The following is an entry in ClinVar:

ClinVar aggregate classification (germline): Pathogenic/Likely pathogenic. Review status: criteria provided, multiple submitters, no conflicts (2 of 4 stars). 4 submissions from 4 submitters: Pathogenic (2); Likely pathogenic (2). Last evaluated 2026-08-03.

Conditions:
Severe X-linked myotubular myopathy (CNMX). Also called: X-linked centronuclear myopathy; Myotubular myopathy, X-linked; MYOTUBULAR MYOPATHY 1. Identifiers: Orphanet 596, MedGen C0410203, MONDO:0010683, OMIM 310400.

Submissions (4):

Myriad Genetics, Inc.
Classification: Likely pathogenic for Severe X-linked myotubular myopathy. Last evaluated: 2026-08-03. Review status: criteria provided, single submitter. Criteria: Myriad Autosomal Dominant, Autosomal Recessive and X-Linked Classification Criteria (2023). Collection method: clinical testing. Allele origin: unknown.
Comment: NM_000252.2(MTM1):c.231+1G>A is a variant in a canonical splice site classified as likely pathogenic in the context of X-linked myotubular myopathy. c.231+1G>A has not been observed in cases with relevant disease. Relevant functional assessments of this variant are not available in the literature. c.231+1G>A has not been observed in referenced population frequency databases. In summary, NM_000252.2(MTM1):c.231+1G>A is a variant in a canonical splice site in a gene where loss of function is a known mechanism of disease and is predicted to disrupt protein function. Please note: this variant was assessed in the context of healthy population screening.

Labcorp Genetics (formerly Invitae), Labcorp
Classification: Likely pathogenic for Severe X-linked myotubular myopathy. Last evaluated: 2024-11-27. Review status: criteria provided, single submitter. Criteria: Invitae Variant Classification Sherloc (09022015). Collection method: clinical testing. Allele origin: germline.
Comment: This sequence change affects a donor splice site in intron 4 of the MTM1 gene. It is expected to disrupt RNA splicing. Variants that disrupt the donor or acceptor splice site typically lead to a loss of protein function (PMID: 16199547), and loss-of-function variants in MTM1 are known to be pathogenic (PMID: 9305655, 10063835). This variant is not present in population databases (gnomAD no frequency). Disruption of this splice site has been observed in individual(s) with MTM1-related condiions (PMID: 22968136, 34134972). ClinVar contains an entry for this variant (Variation ID: 158956). Algorithms developed to predict the effect of sequence changes on RNA splicing suggest that this variant may disrupt the consensus splice site. In summary, the currently available evidence indicates that the variant is pathogenic, but additional data are needed to prove that conclusively. Therefore, this variant has been classified as Likely Pathogenic.

GeneDx
Classification: Pathogenic. Last evaluated: 2017-02-07. Review status: criteria provided, single submitter. Criteria: GeneDx Variant Classification (06012015). Collection method: clinical testing. Allele origin: germline. Affected: yes.
Comment: The c.231+1G>A pathogenic variant in the MTM1 gene has not been reported previously as apathogenic variant nor as a benign variant, to our knowledge. It is reported as pathogenic in ClinVarby a different clinical laboratory, but additional evidence is not available (ClinVar SCV000193722.1;Landrum et al., 2015). This splice site variant destroys the canonical splice donor site in intron 4. It ispredicted to cause abnormal gene splicing, either leading to an abnormal message that is subject tononsense-mediated mRNA decay, or to an abnormal protein product if the message is used for proteintranslation. The c.231+1G>A variant was not observed in approximately 6500 individuals ofEuropean and African American ancestry in the NHLBI Exome Sequencing Project, indicating it is nota common benign variant in these populations.

Genetic Services Laboratory, University of Chicago
Classification: Pathogenic for Myotubular myopathy, X-linked. Last evaluated: 2013-02-08. Review status: criteria provided, single submitter. Criteria: ACMG Guidelines, 2007. Collection method: clinical testing. Allele origin: germline. Inheritance: X-linked inheritance. Affected: yes.

Literature cited by the submitters: PubMed 16199547 (cited by Labcorp Genetics (formerly Invitae), Labcorp); PubMed 9305655 (cited by Labcorp Genetics (formerly Invitae), Labcorp); PubMed 10063835 (cited by Labcorp Genetics (formerly Invitae), Labcorp); PubMed 22968136 (cited by Labcorp Genetics (formerly Invitae), Labcorp); PubMed 34134972 (cited by Labcorp Genetics (formerly Invitae), Labcorp).

NM_000252.3(MTM1):c.231+1G>A

Gene: MTM1 (myotubularin 1; plus strand). Cytogenetic location: Xq28.
Variant type: single nucleotide variant.
Coding change: c.231+1G>A on transcript NM_000252.3 (MANE Select); the canonical splice donor site of the intron after coding-DNA position 231, G replaced by A.
Molecular consequence: splice donor variant.
Genome position (GRCh38, 1-based): chrX:150,598,687, G>A. VCF-style: chrX-150598687-G-A. GRCh37 (hg19) VCF-style: chrX-149767151-G-A.
Other names: c.231+1G>A (NM_001376908.1, NM_001376906.1, NM_001376907.1).
Identifiers: ClinVar variation 158956 (VCV000158956.10), dbSNP rs587783810, ClinGen allele CA271855.
Genomic context (GRCh38, chrX:150,598,687, plus strand): 5'-CCCATTAAGGGAAGAGTTTACATCACAAATTATCGTCTTTATTTAAGAAGTTTGGAAACG[G>A]TAAGTAGAATATAAGACCATAAAGATGACCCTAACTGTTAAAGATAATGCTAAATTGTTT-3'